The following is an entry in ClinVar:

ClinVar aggregate classification (germline): Uncertain significance. Review status: criteria provided, multiple submitters, no conflicts (2 of 4 stars). 2 submissions from 2 submitters: Uncertain significance (2). Last evaluated 2023-01-10.

Conditions:
Immunodeficiency 104. Also called: SCID, AUTOSOMAL RECESSIVE, T CELL-NEGATIVE, B CELL-POSITIVE, NK CELL-POSITIVE; Severe Combined Immune Deficiency, Autosomal Recessive, TCell -Negative, B Cell-Positive, NK Cell-Positive, IL7R-Related; Severe combined immunodeficiency, autosomal recessive, T cell-negative, B cell-positive, NK cell-positive; IMMUNODEFICIENCY 104, SEVERE COMBINED. Identifiers: MedGen C5676890, MONDO:0012163, OMIM 608971.
Inborn genetic diseases. Identifiers: MedGen C0950123, MeSH D030342.

Allele frequency attached by ClinVar (database versions not stated): gnomAD exomes below 0.00001; TOPMed below 0.00001.
gnomAD v4.1: 4 of 1,614,062 alleles (0.00025%); highest among the groups gnomAD compares: Non-Finnish European, 0.00025%; no homozygotes.

Submissions (2):

Ambry Genetics
Classification: Uncertain significance for Inborn genetic diseases. Last evaluated: 2023-01-10. Review status: criteria provided, single submitter. Criteria: Ambry Variant Classification Scheme 2023. Collection method: clinical testing. Allele origin: germline.

Labcorp Genetics (formerly Invitae), Labcorp
Classification: Uncertain significance for Immunodeficiency 104. Last evaluated: 2022-09-13. Review status: criteria provided, single submitter. Criteria: Invitae Variant Classification Sherloc (09022015). Collection method: clinical testing. Allele origin: germline.
Comment: This sequence change replaces methionine, which is neutral and non-polar, with isoleucine, which is neutral and non-polar, at codon 200 of the IL7R protein (p.Met200Ile). This variant is not present in population databases (gnomAD no frequency). This variant has not been reported in the literature in individuals affected with IL7R-related conditions. ClinVar contains an entry for this variant (Variation ID: 573790). Algorithms developed to predict the effect of missense changes on protein structure and function (SIFT, PolyPhen-2, Align-GVGD) all suggest that this variant is likely to be tolerated. In summary, the available evidence is currently insufficient to determine the role of this variant in disease. Therefore, it has been classified as a Variant of Uncertain Significance.

NM_002185.5(IL7R):c.600G>A (p.Met200Ile)

Gene: IL7R (interleukin 7 receptor; plus strand). Cytogenetic location: 5p13.2.
Variant type: single nucleotide variant.
Coding change: c.600G>A on transcript NM_002185.5 (MANE Select); coding-DNA position 600, G replaced by A.
Protein change: p.Met200Ile; replaces methionine 200 with isoleucine.
Molecular consequence: missense variant.
Genome position (GRCh38, 1-based): chr5:35,873,542, G>A. VCF-style: chr5-35873542-G-A. GRCh37 (hg19) VCF-style: chr5-35873644-G-A.
Other names: c.600G>A (NM_002185.2); short protein forms M200I.
Identifiers: ClinVar variation 573790 (VCV000573790.7), dbSNP rs754172661, ClinGen allele CA116972732.
Genomic context (GRCh38, chr5:35,873,542, plus strand): 5'-TGTGAATTTATCCAGCACAAAGCTGACACTCCTGCAGAGAAAGCTCCAACCGGCAGCAAT[G>A]TATGAGATTAAAGTTCGATCCATCCCTGATCACTATTTTAAAGGCTTCTGGAGTGAATGG-3'
Protein context (NP_002176.2, residues 190-210): LLQRKLQPAA[Met200Ile]YEIKVRSIPD